The following is an entry in ClinVar:

NM_012338.4(TSPAN12):c.577G>A (p.Ala193Thr)

Gene: TSPAN12 (tetraspanin 12; minus strand). Cytogenetic location: 7q31.31.
Variant type: single nucleotide variant.
Coding change: c.577G>A on transcript NM_012338.4 (MANE Select); coding-DNA position 577, G replaced by A.
Protein change: p.Ala193Thr; replaces alanine 193 with threonine.
Molecular consequence: missense variant.
Genome position (GRCh38, 1-based): chr7:120,806,584, C>T on the plus strand (G>A on the coding strand, the complement: TSPAN12 is on the minus strand). VCF-style: chr7-120806584-C-T. GRCh37 (hg19) VCF-style: chr7-120446638-C-T.
Other names: short protein forms A193T.
Identifiers: ClinVar variation 1719736 (VCV001719736.5), dbSNP rs779191106, ClinGen allele CA4453854.

ClinVar aggregate classification (germline): Uncertain significance (1 of 4 stars; one submission).

Allele frequency attached by ClinVar (database versions not stated): gnomAD exomes below 0.00001; ExAC 0.00001.
gnomAD v4.1: 5 of 1,613,450 alleles (0.00031%); highest among the groups gnomAD compares: Non-Finnish European, 0.00042%; no homozygotes.

Submission:

Labcorp Genetics (formerly Invitae), Labcorp
Classification: Uncertain significance. Last evaluated: 2022-09-18. Review status: criteria provided, single submitter. Criteria: Invitae Variant Classification Sherloc (09022015). Collection method: clinical testing. Allele origin: germline.
Comment: This variant is present in population databases (rs779191106, gnomAD 0.0009%). This variant has not been reported in the literature in individuals affected with TSPAN12-related conditions. Advanced modeling of protein sequence and biophysical properties (such as structural, functional, and spatial information, amino acid conservation, physicochemical variation, residue mobility, and thermodynamic stability) performed at Invitae indicates that this missense variant is not expected to disrupt TSPAN12 protein function. In summary, the available evidence is currently insufficient to determine the role of this variant in disease. Therefore, it has been classified as a Variant of Uncertain Significance. This sequence change replaces alanine, which is neutral and non-polar, with threonine, which is neutral and polar, at codon 193 of the TSPAN12 protein (p.Ala193Thr).